The following is an entry in ClinVar:

NM_000038.6(APC):c.1627-22_1627-18del

Gene: APC (APC regulator of Wnt signaling pathway; plus strand). Cytogenetic location: 5q22.2.
Variant type: Deletion.
Coding change: c.1627-22_1627-18del on transcript NM_000038.6 (MANE Select); 22 bases into the intron before coding-DNA position 1627 through 18 bases into the intron before coding-DNA position 1627, 5 bases deleted (TCTAA; older notation c.1627-22_1627-18delTCTAA).
Molecular consequence: intron variant.
Genome position (GRCh38, 1-based): chr5:112,828,834-112,828,838, TCTAA deleted; deleting any 5 consecutive bases within chr5:112,828,831-112,828,838 gives the same sequence; the c. name uses the placement nearest the transcript's 3' end. VCF-style (leftmost placement, unchanged base first): chr5-112828830-TTAATC-T. GRCh37 (hg19) VCF-style: chr5-112164527-TTAATC-T.
Other names: c.778-22_778-18del (NM_001407470.1, NM_001354906.2); c.475-22_475-18del (NM_001407472.1, NM_001407471.1); c.1681-22_1681-18del (NM_001407447.1, NM_001407448.1, NM_001407449.1 and 1 more transcripts); c.1627-22_1627-18del (NM_001354895.2, NM_001407450.1, NM_001127510.3); c.1378-22_1378-18del (NM_001407456.1, NM_001407457.1, NM_001407455.1 and 1 more transcripts); c.1324-22_1324-18del (NM_001407460.1, NM_001407458.1, NM_001407459.1 and 1 more transcripts); c.1597-22_1597-18del (NM_001407452.1); c.1240-22_1240-18del (NM_001407469.1, NM_001407467.1); and 11 more.
Identifiers: ClinVar variation 3148363 (VCV003148363.1), dbSNP rs2533239287, ClinGen allele CA2825001352.

ClinVar aggregate classification (germline): Benign (1 of 4 stars; one submission).

Conditions:
Familial adenomatous polyposis 1 (FAP1). Also called: POLYPOSIS, ADENOMATOUS INTESTINAL; FAMILIAL ADENOMATOUS POLYPOSIS 1, ATTENUATED. Identifiers: MedGen C2713442, MONDO:0021056, OMIM 175100. Disease mechanism: loss of function.

Submission:

Myriad Genetics, Inc.
Classification: Benign for Familial adenomatous polyposis 1. Last evaluated: 2024-03-06. Review status: criteria provided, single submitter. Criteria: Myriad Autosomal Dominant, Autosomal Recessive and X-Linked Classification Criteria (2023). Collection method: clinical testing. Allele origin: unknown.
Comment: This variant is considered benign. This variant is intronic and is not expected to impact mRNA splicing.